The following is an entry in ClinVar:

NM_004100.5(EYA4):c.873A>T (p.Gly291=)

Gene: EYA4 (EYA transcriptional coactivator and phosphatase 4; plus strand). Cytogenetic location: 6q23.2.
Variant type: single nucleotide variant.
Coding change: c.873A>T on transcript NM_004100.5 (MANE Select); coding-DNA position 873, A replaced by T.
Protein change: p.Gly291=; no amino-acid change (glycine 291 retained).
Molecular consequence: synonymous variant.
Genome position (GRCh38, 1-based): chr6:133,468,634, A>T. VCF-style: chr6-133468634-A-T. GRCh37 (hg19) VCF-style: chr6-133789772-A-T.
Other names: c.873A>T (NM_004100.4); c.711A>T, p.Gly237= (NM_001301012.2, NM_001370459.1); c.873A>T, p.Gly291= (NM_001301013.2, NM_172105.4); c.804A>T, p.Gly268= (NM_001370458.1, NM_172103.4).
Identifiers: ClinVar variation 1166139 (VCV001166139.12), dbSNP rs761206775, ClinGen allele CA4008177.

ClinVar aggregate classification (germline): Benign/Likely benign. Review status: criteria provided, multiple submitters, no conflicts (2 of 4 stars). 4 submissions from 4 submitters: Benign (1); Likely benign (3). Last evaluated 2026-01-31.

Conditions:
Cardiovascular phenotype. Identifiers: MedGen CN230736.
Dilated cardiomyopathy 1J (CMD1J). Also called: CARDIOMYOPATHY, DILATED, WITH SENSORINEURAL HEARING LOSS, AUTOSOMAL DOMINANT. Identifiers: Orphanet 217622, MedGen C1854368, MONDO:0011541, OMIM 605362.
EYA4-related disorder. Also called: EYA4-related condition; EYA4-related disorders. Identifiers: MedGen CN239388.

Allele frequency attached by ClinVar (database versions not stated): gnomAD exomes 0.00002 and 0.00012; gnomAD 0.00003; ExAC 0.00007; TOPMed 0.00008.
gnomAD v4.1: 38 of 1,612,540 alleles (0.0024%); highest among the groups gnomAD compares: East Asian, 0.082%; no homozygotes.

Submissions (4):

Labcorp Genetics (formerly Invitae), Labcorp
Classification: Benign for Dilated cardiomyopathy 1J. Last evaluated: 2026-01-31. Review status: criteria provided, single submitter. Criteria: Invitae Variant Classification Sherloc (09022015). Collection method: clinical testing. Allele origin: germline.

PreventionGenetics, part of Exact Sciences
Classification: Likely benign for EYA4-related condition. Last evaluated: 2025-12-23. Review status: criteria provided, single submitter. Criteria: ACMG Guidelines, 2015. Collection method: clinical testing. Allele origin: germline.
Comment: This variant is classified as likely benign based on ACMG/AMP sequence variant interpretation guidelines (Richards et al. 2015 PMID: 25741868, with internal and published modifications).

Ambry Genetics
Classification: Likely benign for Cardiovascular phenotype. Last evaluated: 2024-06-17. Review status: criteria provided, single submitter. Criteria: Ambry Variant Classification Scheme 2023. Collection method: clinical testing. Allele origin: germline.

Blueprint Genetics
Classification: Likely benign. Last evaluated: 2017-10-18. Review status: criteria provided, single submitter. Criteria: ACMG Guidelines, 2015. Collection method: clinical testing. Allele origin: germline.